The following is an entry in ClinVar:

ClinVar aggregate classification (germline): Uncertain significance. Review status: criteria provided, multiple submitters, no conflicts (2 of 4 stars). 2 submissions from 2 submitters: Uncertain significance (2). Last evaluated 2023-03-21.

Conditions:
Hereditary cancer-predisposing syndrome. Also called: Neoplastic Syndromes, Hereditary; Hereditary neoplastic syndrome; Hereditary Cancer Syndrome; Tumor predisposition. Identifiers: Orphanet 140162, MedGen C0027672, MeSH D009386, MONDO:0015356.
Peutz-Jeghers syndrome (PJS). Also called: POLYPOSIS, HAMARTOMATOUS INTESTINAL; POLYPS-AND-SPOTS SYNDROME; Peutz-Jeghers polyposis; Periorificial lentiginosis syndrome. Identifiers: Orphanet 2869, MedGen C0031269, MeSH D010580, MONDO:0008280, OMIM 175200.

Submissions (2):

Ambry Genetics
Classification: Uncertain significance for Hereditary cancer-predisposing syndrome. Last evaluated: 2023-03-21. Review status: criteria provided, single submitter. Criteria: Ambry Variant Classification Scheme 2023. Collection method: clinical testing. Allele origin: germline.
Comment: The c.291G>A variant (also known as p.K97K), located in coding exon 2 of the STK11 gene, results from a G to A substitution at nucleotide position 291. This variant has been reported in an individual affected with colorectal cancer (Yurgelun MB et al. J Clin Oncol, 2017 Apr;35:1086-1095). This nucleotide substitution does not change the lysine at codon 97. However, this change occurs in the first base pair of coding exon 2, which makes it likely to have some effect on normal mRNA splicing. This nucleotide position is highly conserved in available vertebrate species. In silico splice site analysis predicts that this alteration may result in the creation or strengthening of a novel splice acceptor site; however, direct evidence is insufficient at this time (Ambry internal data). Since supporting evidence is limited at this time, the clinical significance of this alteration remains unclear.

Labcorp Genetics (formerly Invitae), Labcorp
Classification: Uncertain significance for Peutz-Jeghers syndrome. Last evaluated: 2022-09-17. Review status: criteria provided, single submitter. Criteria: Invitae Variant Classification Sherloc (09022015). Collection method: clinical testing. Allele origin: germline.
Comment: In summary, the available evidence is currently insufficient to determine the role of this variant in disease. Therefore, it has been classified as a Variant of Uncertain Significance. Algorithms developed to predict the effect of sequence changes on RNA splicing suggest that this variant may create or strengthen a splice site. ClinVar contains an entry for this variant (Variation ID: 657344). This variant has been observed in individual(s) with colorectal cancer (PMID: 28135145). This variant is not present in population databases (gnomAD no frequency). This sequence change affects codon 97 of the STK11 mRNA. It is a 'silent' change, meaning that it does not change the encoded amino acid sequence of the STK11 protein. It affects a nucleotide within the consensus splice site.

Literature cited by the submitters: PubMed 28135145 (cited by Ambry Genetics and Labcorp Genetics (formerly Invitae), Labcorp).

NM_000455.5(STK11):c.291G>A (p.Lys97=)

Gene: STK11 (serine/threonine kinase 11; plus strand). Cytogenetic location: 19p13.3.
Variant type: single nucleotide variant.
Coding change: c.291G>A on transcript NM_000455.5 (MANE Select); coding-DNA position 291, G replaced by A.
Protein change: p.Lys97=; no amino-acid change (lysine 97 retained).
Molecular consequence: synonymous variant.
Genome position (GRCh38, 1-based): chr19:1,218,417, G>A. VCF-style: chr19-1218417-G-A. GRCh37 (hg19) VCF-style: chr19-1218416-G-A.
Identifiers: ClinVar variation 657344 (VCV000657344.10), dbSNP rs1599924529, ClinGen allele CA504706522.
Genomic context (GRCh38, chr19:1,218,417, plus strand): 5'-GATCCAGGCCATCATCCTGACGTTGGGTCGGCTGATACACCCCTGTCCTCTCTGTCCCAG[G>A]GAAATTCAACTACTGAGGAGGTTACGGCACAAAAATGTCATCCAGCTGGTGGATGTGTTA-3'
Protein context (NP_000446.1, residues 87-107): RIPNGEANVK[Lys97=]EIQLLRRLRH